The following is an entry in ClinVar:

ClinVar aggregate classification (germline): Uncertain significance. Review status: criteria provided, single submitter (1 of 4 stars). 2 submissions from 2 submitters: Uncertain significance (1). 1 of the submissions does not count toward it. Last evaluated 2024-10-15.

Conditions:
CEP164-related disorder. Also called: CEP164-related condition.
Nephronophthisis 15 (NPHP15). Identifiers: Orphanet 3156, MedGen C3541853, MONDO:0013917, OMIM 614845.

Allele frequency attached by ClinVar (database versions not stated): gnomAD exomes below 0.00001.
gnomAD v4.1: 1 of 1,614,034 alleles (0.000062%); highest among the groups gnomAD compares: Non-Finnish European, 0.000085%; no homozygotes.

Submissions (2):

Labcorp Genetics (formerly Invitae), Labcorp
Classification: Uncertain significance for Nephronophthisis 15. Last evaluated: 2024-10-15. Review status: criteria provided, single submitter. Criteria: Invitae Variant Classification Sherloc (09022015). Collection method: clinical testing. Allele origin: germline.
Comment: This sequence change replaces serine, which is neutral and polar, with alanine, which is neutral and non-polar, at codon 1205 of the CEP164 protein (p.Ser1205Ala). This variant is not present in population databases (gnomAD no frequency). This variant has not been reported in the literature in individuals affected with CEP164-related conditions. ClinVar contains an entry for this variant (Variation ID: 2179151). Invitae Evidence Modeling of protein sequence and biophysical properties (such as structural, functional, and spatial information, amino acid conservation, physicochemical variation, residue mobility, and thermodynamic stability) indicates that this missense variant is not expected to disrupt CEP164 protein function with a negative predictive value of 80%. In summary, the available evidence is currently insufficient to determine the role of this variant in disease. Therefore, it has been classified as a Variant of Uncertain Significance.

PreventionGenetics, part of Exact Sciences
Classification: Uncertain significance for CEP164-related condition. Last evaluated: 2024-03-27. Review status: no assertion criteria provided. Collection method: clinical testing. Allele origin: germline. Not counted in ClinVar's aggregate classification.
Comment: The CEP164 c.3613T>G variant is predicted to result in the amino acid substitution p.Ser1205Ala. To our knowledge, this variant has not been reported in the literature or in a large population database, indicating this variant is rare. At this time, the clinical significance of this variant is uncertain due to the absence of conclusive functional and genetic evidence.

NM_014956.5(CEP164):c.3613T>G (p.Ser1205Ala)

Gene: CEP164 (centrosomal protein 164; plus strand). Cytogenetic location: 11q23.3.
Variant type: single nucleotide variant.
Coding change: c.3613T>G on transcript NM_014956.5 (MANE Select); coding-DNA position 3613, T replaced by G.
Protein change: p.Ser1205Ala; replaces serine 1205 with alanine.
Molecular consequence: missense variant.
Genome position (GRCh38, 1-based): chr11:117,408,893, T>G. VCF-style: chr11-117408893-T-G. GRCh37 (hg19) VCF-style: chr11-117279609-T-G.
Other names: c.3622T>G, p.Ser1208Ala (NM_001271933.2); c.3613T>G (NM_014956.4); short protein forms S1205A, S1208A.
Identifiers: ClinVar variation 2179151 (VCV002179151.4), dbSNP rs2542691546, ClinGen allele CA382741807.